The following is an entry in ClinVar:

NM_015450.3(POT1):c.1774C>T (p.Pro592Ser)

Gene: POT1 (protection of telomeres 1; minus strand). Cytogenetic location: 7q31.33.
Variant type: single nucleotide variant.
Coding change: c.1774C>T on transcript NM_015450.3 (MANE Select); coding-DNA position 1774, C replaced by T.
Protein change: p.Pro592Ser; replaces proline 592 with serine.
Molecular consequence: missense variant. On other transcripts: non-coding transcript variant (3).
Genome position (GRCh38, 1-based): chr7:124,825,270, G>A on the plus strand (C>T on the coding strand, the complement: POT1 is on the minus strand). VCF-style: chr7-124825270-G-A. GRCh37 (hg19) VCF-style: chr7-124465324-G-A.
Other names: c.1774C>T (NM_015450.2); c.1381C>T, p.Pro461Ser (NM_001042594.2); short protein forms P592S, P461S.
Identifiers: ClinVar variation 2078209 (VCV002078209.5), dbSNP rs2116407690, ClinGen allele CA369062144.
Genomic context (GRCh38, chr7:124,825,270, plus strand): 5'-CAAGTAAAAGAAGTGTGGGATTGTTAAAATATTCTTGCCTACCAATTTTTATTCCTGGAG[G>A]ACAAAACATATCCATGATCATATCCACACTTTTCTGAAGGTCATCATCCATCAGAACTTC-3'
Protein context (NP_056265.2, residues 582-602): SVDMIMDMFC[Pro592Ser]PGIKIDAYPW

ClinVar aggregate classification (germline): Uncertain significance. Review status: criteria provided, multiple submitters, no conflicts (2 of 4 stars). 2 submissions from 2 submitters: Uncertain significance (2). Last evaluated 2025-08-10.

Conditions:
Tumor predisposition syndrome 3 (TPDS3). Also called: Melanoma, cutaneous malignant, susceptibility to, 10; Glioma susceptibility 9; LONG TELOMERE SYNDROME, POT1-RELATED; POT1 Tumor Predisposition. Identifiers: Orphanet 618, MedGen C4014476, MONDO:0014368, OMIM 615848.
Hereditary cancer-predisposing syndrome. Also called: Neoplastic Syndromes, Hereditary; Tumor predisposition; Hereditary Cancer Syndrome; Hereditary neoplastic syndrome. Identifiers: Orphanet 140162, MedGen C0027672, MeSH D009386, MONDO:0015356.

Submissions (2):

Ambry Genetics
Classification: Uncertain significance for Hereditary cancer-predisposing syndrome. Last evaluated: 2025-08-10. Review status: criteria provided, single submitter. Criteria: Ambry Variant Classification Scheme 2023. Collection method: clinical testing. Allele origin: germline.
Comment: The p.P592S variant (also known as c.1774C>T), located in coding exon 14 of the POT1 gene, results from a C to T substitution at nucleotide position 1774. The proline at codon 592 is replaced by serine, an amino acid with similar properties. This amino acid position is conserved. In addition, the in silico prediction for this alteration is inconclusive. Based on the available evidence, the clinical significance of this variant remains unclear.

Labcorp Genetics (formerly Invitae), Labcorp
Classification: Uncertain significance for Tumor predisposition syndrome 3. Last evaluated: 2022-01-10. Review status: criteria provided, single submitter. Criteria: Invitae Variant Classification Sherloc (09022015). Collection method: clinical testing. Allele origin: germline.
Comment: In summary, the available evidence is currently insufficient to determine the role of this variant in disease. Therefore, it has been classified as a Variant of Uncertain Significance. Algorithms developed to predict the effect of missense changes on protein structure and function are either unavailable or do not agree on the potential impact of this missense change (SIFT: "Deleterious"; PolyPhen-2: "Probably Damaging"; Align-GVGD: "Class C0"). This variant has not been reported in the literature in individuals affected with POT1-related conditions. This variant is not present in population databases (gnomAD no frequency). This sequence change replaces proline, which is neutral and non-polar, with serine, which is neutral and polar, at codon 592 of the POT1 protein (p.Pro592Ser).